The following is an entry in ClinVar:

ClinVar aggregate classification (germline): Uncertain significance (1 of 4 stars; one submission).

Conditions:
Developmental and epileptic encephalopathy, 54. Also called: Epileptic encephalopathy, early infantile, 54; HNRNPU-Related Neurodevelopmental Disorder. Identifiers: MedGen C4479319, MONDO:0033363, OMIM 617391.

Submission:

Labcorp Genetics (formerly Invitae), Labcorp
Classification: Uncertain significance for Developmental and epileptic encephalopathy, 54. Last evaluated: 2024-02-17. Review status: criteria provided, single submitter. Criteria: Invitae Variant Classification Sherloc (09022015). Collection method: clinical testing. Allele origin: germline.
Comment: This variant, c.2232_2240del, results in the deletion of 3 amino acid(s) of the HNRNPU protein (p.Ser746_Gly748del), but otherwise preserves the integrity of the reading frame. This variant is not present in population databases (gnomAD no frequency). This variant has not been reported in the literature in individuals affected with HNRNPU-related conditions. ClinVar contains an entry for this variant (Variation ID: 1004760). Experimental studies and prediction algorithms are not available or were not evaluated, and the functional significance of this variant is currently unknown. In summary, the available evidence is currently insufficient to determine the role of this variant in disease. Therefore, it has been classified as a Variant of Uncertain Significance.

NM_031844.3(HNRNPU):c.2232_2240del (p.Ser746_Gly748del)

Gene: HNRNPU (heterogeneous nuclear ribonucleoprotein U; minus strand). Cytogenetic location: 1q44.
Variant type: Deletion.
Coding change: c.2232_2240del on transcript NM_031844.3 (MANE Select); coding-DNA positions 2232 to 2240, 9 bases deleted (AGGAAGTGG; older notation c.2232_2240delAGGAAGTGG).
Protein change: p.Ser746_Gly748del.
Molecular consequence: inframe deletion.
Genome position (GRCh38, 1-based): chr1:244,855,536-244,855,544, CCACTTCCT deleted on the plus strand (AGGAAGTGG on the coding strand, the reverse complement: HNRNPU is on the minus strand); deleting any 9 consecutive bases within chr1:244,855,536-244,855,548 gives the same sequence; the c. name uses the placement nearest the transcript's 3' end. VCF-style (leftmost placement, unchanged base first): chr1-244855535-ACCACTTCCT-A. GRCh37 (hg19) VCF-style: chr1-245018837-ACCACTTCCT-A.
Other names: c.2175_2183del, p.Ser727_Gly729del (NM_004501.3).
Identifiers: ClinVar variation 1004760 (VCV001004760.9), dbSNP rs1278935326, ClinGen allele CA733941559.